The following is an entry in ClinVar:

NM_014629.4(ARHGEF10):c.3430G>T (p.Val1144Phe)

Gene: ARHGEF10 (Rho guanine nucleotide exchange factor 10; plus strand). Cytogenetic location: 8p23.3.
Variant type: single nucleotide variant.
Coding change: c.3430G>T on transcript NM_014629.4 (MANE Select); coding-DNA position 3430, G replaced by T.
Protein change: p.Val1144Phe; replaces valine 1144 with phenylalanine.
Molecular consequence: missense variant.
Genome position (GRCh38, 1-based): chr8:1,952,737, G>T. VCF-style: chr8-1952737-G-T. GRCh37 (hg19) VCF-style: chr8-1900903-G-T.
Other names: c.3316G>T, p.Val1106Phe (NM_001308152.2); c.3430G>T, p.Val1144Phe (NM_001308153.3); short protein forms V1144F, V1106F, V1168F.
Identifiers: ClinVar variation 709435 (VCV000709435.31), dbSNP rs138367297, ClinGen allele CA4601376.

ClinVar aggregate classification (germline): Benign/Likely benign. Review status: criteria provided, multiple submitters, no conflicts (2 of 4 stars). 3 submissions from 3 submitters: Benign (1); Likely benign (2). Last evaluated 2026-04-15.

Allele frequency attached by ClinVar (database versions not stated): TOPMed 0.00092; 1000 Genomes Project 30x 0.00109; ESP Exome Variant Server 0.00115; 1000 Genomes Project 0.00120.
gnomAD v4.1: 252 of 1,613,284 alleles (0.016%); highest among the groups gnomAD compares: African/African-American, 0.27%; 1 homozygote.

Submissions (3):

Women's Health and Genetics/Laboratory Corporation of America, LabCorp
Classification: Likely benign. Last evaluated: 2026-04-15. Review status: criteria provided, single submitter. Criteria: LabCorp Variant Classification Summary - May 2015. Collection method: clinical testing. Allele origin: germline.
Comment: Variant summary: ARHGEF10 c.3430G>T (p.Val1144Phe) results in a non-conservative amino acid change in the encoded protein sequence. Algorithms developed to predict the effect of missense changes on protein structure and function are either unavailable or do not agree on the potential impact of this missense change. The variant allele was found at a frequency of 0.00024 in 250492 control chromosomes, predominantly at a frequency of 0.0031 within the African or African-American subpopulation in the gnomAD database. The observed variant frequency within African or African-American control individuals in the gnomAD database exceeds the estimated maximal expected allele frequency for disease-causing variants in ARHGEF10. To our knowledge, no occurrence of c.3430G>T in individuals affected with ARHGEF10-related conditions and no experimental evidence demonstrating its impact on protein function have been reported. ClinVar contains an entry for this variant (Variation ID: 709435). Based on the evidence outlined above, the variant was classified as likely benign.

Labcorp Genetics (formerly Invitae), Labcorp
Classification: Likely benign. Last evaluated: 2024-07-25. Review status: criteria provided, single submitter. Criteria: Invitae Variant Classification Sherloc (09022015). Collection method: clinical testing. Allele origin: germline.

CeGaT Center for Human Genetics Tuebingen
Classification: Benign. Last evaluated: 2022-05-01. Review status: criteria provided, single submitter. Criteria: CeGaT Center For Human Genetics Tuebingen Variant Classification Criteria Version 2. Collection method: clinical testing. Allele origin: germline. Affected: yes. Observed: 1 variant allele.
Comment: ARHGEF10: BS1, BS2